The following is an entry in ClinVar:

NM_001371279.1(REEP1):c.209T>G (p.Ile70Arg)

Gene: REEP1 (receptor accessory protein 1; minus strand). Cytogenetic location: 2p11.2.
Variant type: single nucleotide variant.
Coding change: c.209T>G on transcript NM_001371279.1 (MANE Select); coding-DNA position 209, T replaced by G.
Protein change: p.Ile70Arg; replaces isoleucine 70 with arginine.
Molecular consequence: missense variant. On other transcripts: intron variant (1).
Genome position (GRCh38, 1-based): chr2:86,254,788, A>C on the plus strand (T>G on the coding strand, the complement: REEP1 is on the minus strand). VCF-style: chr2-86254788-A-C. GRCh37 (hg19) VCF-style: chr2-86481911-A-C.
Other names: c.230T>G, p.Ile77Arg (NM_001164730.2); c.128T>G, p.Ile43Arg (NM_001164731.2); c.209T>G, p.Ile70Arg (NM_001371280.1, NM_022912.3); c.182+9177T>G (NM_001164732.2); short protein forms I70R, I77R, I43R.
Identifiers: ClinVar variation 848633 (VCV000848633.9), dbSNP rs1676462330, ClinGen allele CA347717543.

ClinVar aggregate classification (germline): Uncertain significance (1 of 4 stars; one submission).

Conditions:
Hereditary spastic paraplegia 31. Also called: SPASTIC PARAPLEGIA 31, AUTOSOMAL DOMINANT. Identifiers: Orphanet 101011, MedGen C1853247, MONDO:0012453, OMIM 610250.

Submission:

Labcorp Genetics (formerly Invitae), Labcorp
Classification: Uncertain significance for Hereditary spastic paraplegia 31. Last evaluated: 2019-03-28. Review status: criteria provided, single submitter. Criteria: Invitae Variant Classification Sherloc (09022015). Collection method: clinical testing. Allele origin: germline.
Comment: In summary, the available evidence is currently insufficient to determine the role of this variant in disease. Therefore, it has been classified as a Variant of Uncertain Significance. Algorithms developed to predict the effect of missense changes on protein structure and function are either unavailable or do not agree on the potential impact of this missense change (SIFT: "Deleterious"; PolyPhen-2: "Probably Damaging"; Align-GVGD: "Class C0"). This variant has been observed in an individual affected with spastic paraplegia (PMID: 26671083). This variant is not present in population databases (ExAC no frequency). This sequence change replaces isoleucine with arginine at codon 70 of the REEP1 protein (p.Ile70Arg). The isoleucine residue is highly conserved and there is a moderate physicochemical difference between isoleucine and arginine.

Literature cited by the submitters: PubMed 26671083.